The following is an entry in ClinVar:

NM_001384732.1(CPLANE1):c.1214C>T (p.Ala405Val)

Gene: CPLANE1 (ciliogenesis and planar polarity effector complex subunit 1; minus strand). Cytogenetic location: 5p13.2.
Variant type: single nucleotide variant.
Coding change: c.1214C>T on transcript NM_001384732.1 (MANE Select); coding-DNA position 1214, C replaced by T.
Protein change: p.Ala405Val; replaces alanine 405 with valine.
Molecular consequence: missense variant.
Genome position (GRCh38, 1-based): chr5:37,227,725, G>A on the plus strand (C>T on the coding strand, the complement: CPLANE1 is on the minus strand). VCF-style: chr5-37227725-G-A. GRCh37 (hg19) VCF-style: chr5-37227827-G-A.
Other names: c.1214C>T, p.Ala405Val (NM_023073.4); short protein forms A405V.
Identifiers: ClinVar variation 944319 (VCV000944319.11), dbSNP rs1796758136, ClinGen allele CA359505653.

ClinVar aggregate classification (germline): Uncertain significance. Review status: criteria provided, multiple submitters, no conflicts (2 of 4 stars). 2 submissions from 2 submitters: Uncertain significance (2). Last evaluated 2019-06-12.

Allele frequency attached by ClinVar (database versions not stated): gnomAD exomes below 0.00001.
gnomAD v4.1: 1 of 1,551,466 alleles (0.000064%); highest among the groups gnomAD compares: Non-Finnish European, 0.000087%; no homozygotes.

Submissions (2):

Labcorp Genetics (formerly Invitae), Labcorp
Classification: Uncertain significance. Last evaluated: 2019-06-12. Review status: criteria provided, single submitter. Criteria: Invitae Variant Classification Sherloc (09022015). Collection method: clinical testing. Allele origin: germline.
Comment: This sequence change replaces alanine with valine at codon 405 of the CPLANE1 protein (p.Ala405Val). The alanine residue is weakly conserved and there is a small physicochemical difference between alanine and valine. This variant is not present in population databases (ExAC no frequency). This variant has been observed in individual(s) with clinical features of Joubert syndrome (Invitae). In at least one individual the data is consistent with the variant being in trans (on the opposite chromosome) from a pathogenic variant. Algorithms developed to predict the effect of missense changes on protein structure and function are either unavailable or do not agree on the potential impact of this missense change (SIFT: "Deleterious"; PolyPhen-2: "Possibly Damaging"; Align-GVGD: "Class C0"). In summary, the available evidence is currently insufficient to determine the role of this variant in disease. Therefore, it has been classified as a Variant of Uncertain Significance.

GeneDx
Classification: Uncertain significance. Last evaluated: 2019-03-19. Review status: criteria provided, single submitter. Criteria: GeneDx Variant Classification Process June 2021. Collection method: clinical testing. Allele origin: germline. Affected: yes.
Comment: Not observed in large population cohorts (Lek et al., 2016); In silico analysis, which includes protein predictors and evolutionary conservation, supports that this variant does not alter protein structure/function; Has not been previously published as pathogenic or benign to our knowledge